The following is an entry in ClinVar:

NM_000051.4(ATM):c.496+338G>A

Gene: ATM (ATM serine/threonine kinase; plus strand). Cytogenetic location: 11q22.3.
Variant type: single nucleotide variant.
Coding change: c.496+338G>A on transcript NM_000051.4 (MANE Select); 338 bases into the intron after coding-DNA position 496, G replaced by A.
Molecular consequence: intron variant.
Genome position (GRCh38, 1-based): chr11:108,236,172, G>A. VCF-style: chr11-108236172-G-A. GRCh37 (hg19) VCF-style: chr11-108106899-G-A.
Other names: c.496+338G>A (NM_001351834.2).
Identifiers: ClinVar variation 3450725 (VCV003450725.1).

ClinVar aggregate classification (germline): Likely pathogenic (1 of 4 stars; one submission).

Conditions:
Hereditary cancer-predisposing syndrome. Also called: Tumor predisposition; Neoplastic Syndromes, Hereditary; Hereditary neoplastic syndrome; Hereditary Cancer Syndrome. Identifiers: Orphanet 140162, MedGen C0027672, MeSH D009386, MONDO:0015356.

Submission:

Ambry Genetics
Classification: Likely pathogenic for Hereditary cancer-predisposing syndrome. Last evaluated: 2024-08-27. Review status: criteria provided, single submitter. Criteria: Ambry Variant Classification Scheme 2023. Collection method: clinical testing. Allele origin: germline.
Comment: The c.496+338G>A intronic variant results from a G to A substitution 338 nucleotides after coding exon 4 in the ATM gene. This nucleotide position is not well conserved in available vertebrate species. In silico splice site analysis predicts that this alteration will result in the creation or strengthening of a novel splice donor site. RNA studies have demonstrated that this alteration results in abnormal splicing in the set of samples tested (Ambry internal data). Based on the majority of available evidence to date, this variant is likely to be pathogenic.